The following is an entry in ClinVar:

NM_144997.7(FLCN):c.396+7C>T

Gene: FLCN (folliculin; minus strand). Cytogenetic location: 17p11.2.
Variant type: single nucleotide variant.
Coding change: c.396+7C>T on transcript NM_144997.7 (MANE Select); 7 bases into the intron after coding-DNA position 396, C replaced by T.
Molecular consequence: intron variant.
Genome position (GRCh38, 1-based): chr17:17,226,169, G>A on the plus strand (C>T on the coding strand, the complement: FLCN is on the minus strand). VCF-style: chr17-17226169-G-A. GRCh37 (hg19) VCF-style: chr17-17129483-G-A.
Other names: c.396+7C>T (NM_001353231.2, NM_001353230.2, NM_001353229.2 and 1 more transcripts).
Identifiers: ClinVar variation 696606 (VCV000696606.18), dbSNP rs781155484, ClinGen allele CA8416443.
Genomic context (GRCh38, chr17:17,226,169, plus strand): 5'-GCCCACCCAGAGCACCTGGGAGCATGTGGGCTCCCACAGAGACAGGCTCTGTGGCCACAA[G>A]GCTCACCTCACAGCTCAGGCTCCGGACACAGGCCTGGCGGACAATGCTGAAGAGCTGGGG-3'

ClinVar aggregate classification (germline): Benign/Likely benign. Review status: criteria provided, multiple submitters, no conflicts (2 of 4 stars). 8 submissions from 8 submitters: Benign (1); Likely benign (6). 1 of the submissions does not count toward it. Last evaluated 2026-02-02.

Conditions:
Birt-Hogg-Dube syndrome 1 (BHD1). Also called: FIBROFOLLICULOMAS WITH TRICHODISCOMAS AND ACROCHORDONS. Identifiers: Orphanet 122, MedGen CN375946, MONDO:0800445, OMIM 135150.
Birt-Hogg-Dube syndrome. Also called: Birt Hogg Dubé syndrome. Identifiers: Orphanet 122, MedGen C0346010, MONDO:0800444.
Familial spontaneous pneumothorax (PSP). Identifiers: Orphanet 2903, MedGen C1868193, MONDO:0008259, OMIM 173600.
Nonpapillary renal cell carcinoma. Identifiers: Orphanet 422526, MedGen CN074294, MONDO:0007763, OMIM 144700.
17p11.2 microduplication syndrome (PTLS). Also called: CHROMOSOME 17p11.2 DUPLICATION SYNDROME; Potocki-Lupski syndrome; Duplication 17p11.2 syndrome; Potocki-Lupski syndrome (dup(17)(p11.2p11.2)). Identifiers: Orphanet 1713, MedGen C2931246, MONDO:0012574, OMIM 610883.
Colorectal cancer. Also called: Malignant Colorectal Neoplasm; Colorectal cancer, somatic. Identifiers: MedGen C0346629, MONDO:0005575, OMIM 114500.
FLCN-related disorder. Also called: FLCN-related condition.

Allele frequency attached by ClinVar (database versions not stated): ExAC 0.00003; gnomAD exomes 0.00003 and 0.00006; gnomAD 0.00005 and 0.00006; TOPMed 0.00013.
gnomAD v4.1: 50 of 1,613,894 alleles (0.0031%); highest among the groups gnomAD compares: Middle Eastern, 0.049%; no homozygotes.

Submissions (8):

Dasa
Classification: Likely benign. Last evaluated: 2026-02-02. Review status: criteria provided, single submitter. Criteria: DASA Assertion Criteria. Collection method: clinical testing. Allele origin: germline.
Comment: NM_144997.7(FLCN):c.396+7C>T is a splice-region variant. The variant context is inconsistent with a known disease-causing mechanism. Computational prediction algorithms are consistent with a benign effect. Therefore, based on the currently available evidence, this variant is classified as likely benign.

Labcorp Genetics (formerly Invitae), Labcorp
Classification: Likely benign for Birt-Hogg-Dube syndrome. Last evaluated: 2026-01-02. Review status: criteria provided, single submitter. Criteria: Invitae Variant Classification Sherloc (09022015). Collection method: clinical testing. Allele origin: germline.

Center for Genomic Medicine, Rigshospitalet, Copenhagen University Hospital
Classification: Likely benign. Last evaluated: 2025-12-29. Review status: criteria provided, single submitter. Criteria: ACMG Guidelines, 2015. Collection method: clinical testing. Allele origin: germline.

Myriad Genetics, Inc.
Classification: Benign for Birt-Hogg-Dube syndrome 1. Last evaluated: 2024-10-22. Review status: criteria provided, single submitter. Criteria: Myriad Autosomal Dominant, Autosomal Recessive and X-Linked Classification Criteria (2023). Collection method: clinical testing. Allele origin: unknown.
Comment: This variant is considered benign. This variant is intronic and is not expected to impact mRNA splicing. This variant has been observed at a population frequency that is significantly greater than expected given the associated disease prevalence and penetrance.

Blueprint Genetics
Classification: Likely benign. Last evaluated: 2024-08-05. Review status: criteria provided, single submitter. Criteria: ACMG Guidelines, 2015. Collection method: clinical testing. Allele origin: germline.

ARUP Laboratories, Molecular Genetics and Genomics, ARUP Laboratories
Classification: Likely benign. Last evaluated: 2022-12-28. Review status: criteria provided, single submitter. Criteria: ARUP Molecular Germline Variant Investigation Process 2024. Collection method: clinical testing. Allele origin: germline.

Fulgent Genetics
Classification: Likely benign for Colorectal cancer; Birt-Hogg-Dube syndrome 1; Nonpapillary renal cell carcinoma; Familial spontaneous pneumothorax; 17p11.2 microduplication syndrome. Last evaluated: 2022-05-18. Review status: criteria provided, single submitter. Criteria: ACMG Guidelines, 2015. Collection method: clinical testing. Allele origin: unknown.

PreventionGenetics, part of Exact Sciences
Classification: Likely benign for FLCN-related condition. Last evaluated: 2023-01-26. Review status: no assertion criteria provided. Collection method: clinical testing. Allele origin: germline. Not counted in ClinVar's aggregate classification.
Comment: This variant is classified as likely benign based on ACMG/AMP sequence variant interpretation guidelines (Richards et al. 2015 PMID: 25741868, with internal and published modifications).